The following is an entry in ClinVar:

ClinVar aggregate classification (germline): Uncertain significance. Review status: criteria provided, single submitter (1 of 4 stars). 2 submissions from 2 submitters: Uncertain significance (1). 1 of the submissions does not count toward it. Last evaluated 2022-08-09.

Conditions:
Autosomal recessive nonsyndromic hearing loss 18A. Also called: Deafness, autosomal recessive 18A; DEAFNESS, AUTOSOMAL RECESSIVE 18. Identifiers: Orphanet 90636, MedGen C1865870, MONDO:0011192, OMIM 602092.
Usher syndrome type 1C. Also called: USHER SYNDROME, TYPE I, ACADIAN VARIETY. Identifiers: Orphanet 231169, Orphanet 886, MedGen C1848604, MONDO:0010171, OMIM 276904.

Submissions (2):

Labcorp Genetics (formerly Invitae), Labcorp
Classification: Uncertain significance. Last evaluated: 2022-08-09. Review status: criteria provided, single submitter. Criteria: Invitae Variant Classification Sherloc (09022015). Collection method: clinical testing. Allele origin: germline.
Comment: In summary, the available evidence is currently insufficient to determine the role of this variant in disease. Therefore, it has been classified as a Variant of Uncertain Significance. Experimental studies and prediction algorithms are not available or were not evaluated, and the functional significance of this variant is currently unknown. ClinVar contains an entry for this variant (Variation ID: 554232). This variant has not been reported in the literature in individuals affected with USH1C-related conditions. This variant is present in population databases (no rsID available, gnomAD 0.001%). This sequence change creates a premature translational stop signal (p.Phe552*) in the USH1C gene. While this is not anticipated to result in nonsense mediated decay, it is expected to disrupt the last 1 amino acid(s) of the USH1C protein.

Counsyl
Classification: Uncertain significance for Usher syndrome type 1C; Autosomal recessive nonsyndromic hearing loss 18A. Last evaluated: 2017-10-04. Review status: no assertion criteria provided. Collection method: clinical testing. Allele origin: unknown. Not counted in ClinVar's aggregate classification.

NM_153676.4(USH1C):c.2661TCT[1] (p.Leu889del)

Gene: USH1C (USH1 protein network component harmonin; minus strand). Cytogenetic location: 11p15.1.
Variant type: Microsatellite.
Coding change: c.2661TCT[1] on transcript NM_153676.4 (MANE Select); one copy of the 3-base unit TCT starting at c.2661; the reference has two copies in a row; one copy, 3 bases deleted.
Protein change: p.Leu889del; deletes leucine 889.
Molecular consequence: inframe deletion. On other transcripts: non-coding transcript variant (1).
Genome position (GRCh38, 1-based): chr11:17,494,366-17,494,368, AGA deleted on the plus strand (TCT on the coding strand, the reverse complement: USH1C is on the minus strand); deleting any 3 consecutive bases within chr11:17,494,366-17,494,373 gives the same sequence; the position shown is the placement nearest the transcript's 3' end. VCF-style (leftmost placement, unchanged base first): chr11-17494365-CAGA-C. GRCh37 (hg19) VCF-style: chr11-17515912-CAGA-C.
Other names: c.1595TCT[1], p.Phe533del (NM_001297764.2); c.1652TCT[1], p.Phe552del (NM_005709.4); short protein forms F552del, L889del, F533del.
Identifiers: ClinVar variation 554232 (VCV000554232.10), dbSNP rs1474458620, ClinGen allele CA597672698.